The following is an entry in ClinVar:

NM_001080449.3(DNA2):c.2369A>T (p.Gln790Leu)

Gene: DNA2 (DNA replication helicase/nuclease 2; minus strand). Cytogenetic location: 10q21.3.
Variant type: single nucleotide variant.
Coding change: c.2369A>T on transcript NM_001080449.3 (MANE Select); coding-DNA position 2369, A replaced by T.
Protein change: p.Gln790Leu; replaces glutamine 790 with leucine.
Molecular consequence: missense variant. On other transcripts: non-coding transcript variant (1).
Genome position (GRCh38, 1-based): chr10:68,422,730, T>A on the plus strand (A>T on the coding strand, the complement: DNA2 is on the minus strand). VCF-style: chr10-68422730-T-A. GRCh37 (hg19) VCF-style: chr10-70182487-T-A.
Other names: short protein forms Q790L.
Identifiers: ClinVar variation 2902762 (VCV002902762.3), dbSNP rs769297990, ClinGen allele CA5524839.

ClinVar aggregate classification (germline): Uncertain significance (1 of 4 stars; one submission).

Allele frequency attached by ClinVar (database versions not stated): gnomAD 0.00001; gnomAD exomes 0.00001; ExAC 0.00005.
gnomAD v4.1: 19 of 1,611,858 alleles (0.0012%); highest among the groups gnomAD compares: South Asian, 0.021%; no homozygotes.

Submission:

Labcorp Genetics (formerly Invitae), Labcorp
Classification: Uncertain significance. Last evaluated: 2023-11-12. Review status: criteria provided, single submitter. Criteria: Invitae Variant Classification Sherloc (09022015). Collection method: clinical testing. Allele origin: germline.
Comment: This sequence change replaces glutamine, which is neutral and polar, with leucine, which is neutral and non-polar, at codon 790 of the DNA2 protein (p.Gln790Leu). This variant is present in population databases (rs769297990, gnomAD 0.02%). This variant has not been reported in the literature in individuals affected with DNA2-related conditions. Advanced modeling of protein sequence and biophysical properties (such as structural, functional, and spatial information, amino acid conservation, physicochemical variation, residue mobility, and thermodynamic stability) performed at Invitae indicates that this missense variant is expected to disrupt DNA2 protein function with a positive predictive value of 80%. In summary, the available evidence is currently insufficient to determine the role of this variant in disease. Therefore, it has been classified as a Variant of Uncertain Significance.